The following is an entry in ClinVar:

NM_014252.4(SLC25A15):c.*159C>G

Gene: SLC25A15 (solute carrier family 25 member 15; plus strand). Cytogenetic location: 13q14.11.
Variant type: single nucleotide variant.
Coding change: c.*159C>G on transcript NM_014252.4 (MANE Select); 159 bases downstream of the stop codon, C replaced by G.
Molecular consequence: 3 prime UTR variant.
Genome position (GRCh38, 1-based): chr13:40,809,826, C>G. VCF-style: chr13-40809826-C-G. GRCh37 (hg19) VCF-style: chr13-41383962-C-G.
Identifiers: ClinVar variation 312185 (VCV000312185.5), dbSNP rs9577153, ClinGen allele CA10644535.

ClinVar aggregate classification (germline): Benign (1 of 4 stars; one submission).

Conditions:
Hyperornithinemia-hyperammonemia-homocitrullinuria syndrome (HHHS). Also called: HHH SYNDROME; Ornithine translocase deficiency. Identifiers: Orphanet 415, MedGen C0268540, MONDO:0009393, OMIM 238970.

Allele frequency attached by ClinVar (database versions not stated): gnomAD 0.00139 and 0.00194; TOPMed 0.00210; 1000 Genomes Project 30x 0.00781; 1000 Genomes Project 0.00958.
gnomAD v4.1: 1,611 of 704,514 alleles (0.23%); highest among the groups gnomAD compares: East Asian, 3.5%; 35 homozygotes.

Submission:

Illumina Laboratory Services, Illumina
Classification: Benign for Hyperornithinemia-hyperammonemia-homocitrullinuria syndrome. Last evaluated: 2018-01-13. Review status: criteria provided, single submitter. Criteria: ICSL Variant Classification Criteria 13 December 2019. Collection method: clinical testing. Allele origin: germline.
Comment: This variant was observed in the ICSL laboratory as part of a predisposition screen in an ostensibly healthy population. It had not been previously curated by ICSL or reported in the Human Gene Mutation Database (HGMD: prior to June 1st, 2018), and was therefore a candidate for classification through an automated scoring system. Utilizing variant allele frequency, disease prevalence and penetrance estimates, and inheritance mode, an automated score was calculated to assess if this variant is too frequent to cause the disease. Based on the score and internal cut-off values, a variant classified as benign is not then subjected to further curation. The score for this variant resulted in a classification of benign for this disease.